The following is an entry in ClinVar:

ClinVar aggregate classification (germline): Uncertain significance (1 of 4 stars; one submission).

Submission:

Labcorp Genetics (formerly Invitae), Labcorp
Classification: Uncertain significance. Last evaluated: 2025-07-30. Review status: criteria provided, single submitter. Criteria: Invitae Variant Classification Sherloc (09022015). Collection method: clinical testing. Allele origin: germline.
Comment: This sequence change replaces glutamic acid, which is acidic and polar, with aspartic acid, which is acidic and polar, at codon 3013 of the VCAN protein (p.Glu3013Asp). This variant is not present in population databases (gnomAD no frequency). This variant has not been reported in the literature in individuals affected with VCAN-related conditions. An algorithm developed to predict the effect of missense changes on protein structure and function outputs the following: PolyPhen-2: "Benign". The aspartic acid amino acid residue is found in multiple mammalian species, which suggests that this missense change does not adversely affect protein function. In summary, the available evidence is currently insufficient to determine the role of this variant in disease. Therefore, it has been classified as a Variant of Uncertain Significance.

NM_004385.5(VCAN):c.9039A>C (p.Glu3013Asp)

Genes: VCAN (versican; plus strand), VCAN-AS1 (VCAN antisense RNA 1; minus strand). Cytogenetic location: 5q14.3.
Variant type: single nucleotide variant.
Coding change: c.9039A>C on transcript NM_004385.5 (MANE Select); coding-DNA position 9039, A replaced by C.
Protein change: p.Glu3013Asp; replaces glutamic acid 3013 with aspartic acid.
Molecular consequence: missense variant. On other transcripts: intron variant (2).
Genome position (GRCh38, 1-based): chr5:83,542,042, A>C. VCF-style: chr5-83542042-A-C. GRCh37 (hg19) VCF-style: chr5-82837861-A-C.
Other names: c.6078A>C, p.Glu2026Asp (NM_001164097.2); c.4004-3495A>C (NM_001164098.2); c.1043-3495A>C (NM_001126336.3); short protein forms E2026D, E3013D.
Identifiers: ClinVar variation 4770232 (VCV004770232.1).